The following is an entry in ClinVar:

NM_007294.3:c.(4986+1_4987-1)_(5074+1_5075-1)dup

Gene: BRCA1 (BRCA1 DNA repair associated; minus strand).
Variant type: Duplication.
Identifiers: ClinVar variation 1065541 (VCV001065541.1).

ClinVar aggregate classification (germline): Likely pathogenic (1 of 4 stars; one submission).

Conditions:
Hereditary cancer-predisposing syndrome. Also called: Hereditary Cancer Syndrome; Hereditary neoplastic syndrome; Neoplastic Syndromes, Hereditary; Tumor predisposition. Identifiers: Orphanet 140162, MedGen C0027672, MeSH D009386, MONDO:0015356.

Submission:

Ambry Genetics
Classification: Likely pathogenic for Hereditary cancer-predisposing syndrome. Last evaluated: 2020-03-02. Review status: criteria provided, single submitter. Criteria: Ambry Autosomal Dominant and X-Linked criteria (2/2020). Collection method: clinical testing. Allele origin: germline. Observed: 1 variant allele.
Comment: The EX15dup gross duplication spans coding exon 15 in the BRCA1 gene; however, the exact breakpoints of the duplication were not determined. This alteration has been identified as a tandem duplication in at least one case and is predicted to lead to a frameshift with premature termination codon (Ambry internal data). Based on the majority of available evidence to date, this variant is likely to be pathogenic.